The following is an entry in ClinVar:

ClinVar aggregate classification (germline): Benign/Likely benign. Review status: criteria provided, multiple submitters, no conflicts (2 of 4 stars). 9 submissions from 9 submitters: Benign (5); Likely benign (2). 2 of the submissions do not count toward it. Last evaluated 2026-01-31.

Conditions:
SLC12A3-related disorder. Also called: SLC12A3-related condition.
Familial hypokalemia-hypomagnesemia (GTLMNS). Also called: gitelman syndrome; HYPOMAGNESEMIA-HYPOKALEMIA, PRIMARY RENOTUBULAR, WITH HYPOCALCIURIA; POTASSIUM AND MAGNESIUM DEPLETION. Identifiers: Orphanet 358, MedGen C0268450, MONDO:0009904, OMIM 263800.

Allele frequency attached by ClinVar (database versions not stated): gnomAD exomes 0.00183; ExAC 0.00231; 1000 Genomes Project 0.00659; ESP Exome Variant Server 0.00685; gnomAD 0.00735 and 0.00802; 1000 Genomes Project 30x 0.00750; TOPMed 0.00796.
gnomAD v4.1: 2,097 of 1,614,164 alleles (0.13%); highest among the groups gnomAD compares: African/African-American, 2.5%; 26 homozygotes.

Submissions (9):

Labcorp Genetics (formerly Invitae), Labcorp
Classification: Benign. Last evaluated: 2026-01-31. Review status: criteria provided, single submitter. Criteria: Invitae Variant Classification Sherloc (09022015). Collection method: clinical testing. Allele origin: germline.

Mayo Clinic Laboratories, Mayo Clinic
Classification: Benign. Last evaluated: 2025-01-22. Review status: criteria provided, single submitter. Criteria: ACMG Guidelines, 2015. Collection method: clinical testing. Allele origin: germline. Observed: 1 variant allele.
Comment: BS1, BS2, BP4, BP7

Genome-Nilou Lab
Classification: Benign for Familial hypokalemia-hypomagnesemia. Last evaluated: 2021-07-15. Review status: criteria provided, single submitter. Criteria: ACMG Guidelines, 2015. Collection method: clinical testing. Allele origin: germline. Affected: no.

GeneDx
Classification: Likely benign. Last evaluated: 2021-03-29. Review status: criteria provided, single submitter. Criteria: GeneDx Variant Classification Process June 2021. Collection method: clinical testing. Allele origin: germline. Affected: yes.

Athena Diagnostics
Classification: Benign. Last evaluated: 2018-09-28. Review status: criteria provided, single submitter. Criteria: Athena Diagnostics Criteria. Collection method: clinical testing. Allele origin: germline.

Illumina Laboratory Services, Illumina
Classification: Benign for Familial hypokalemia-hypomagnesemia. Last evaluated: 2018-01-12. Review status: criteria provided, single submitter. Criteria: ICSL Variant Classification Criteria 13 December 2019. Collection method: clinical testing. Allele origin: germline.
Comment: This variant was observed in the ICSL laboratory as part of a predisposition screen in an ostensibly healthy population. It had not been previously curated by ICSL or reported in the Human Gene Mutation Database (HGMD: prior to June 1st, 2018), and was therefore a candidate for classification through an automated scoring system. Utilizing variant allele frequency, disease prevalence and penetrance estimates, and inheritance mode, an automated score was calculated to assess if this variant is too frequent to cause the disease. Based on the score and internal cut-off values, a variant classified as benign is not then subjected to further curation. The score for this variant resulted in a classification of benign for this disease.

Breakthrough Genomics
Classification: Likely benign. Review status: criteria provided, single submitter. Criteria: ACMG Guidelines, 2015. Collection method: not provided. Allele origin: germline. Inheritance: Autosomal recessive inheritance. Affected: yes.

Natera, Inc.
Classification: Benign for Gitelman syndrome. Last evaluated: 2019-11-11. Review status: no assertion criteria provided. Collection method: clinical testing. Allele origin: germline. Not counted in ClinVar's aggregate classification.

PreventionGenetics, part of Exact Sciences
Classification: Benign for SLC12A3-related condition. Last evaluated: 2019-06-26. Review status: no assertion criteria provided. Collection method: clinical testing. Allele origin: germline. Not counted in ClinVar's aggregate classification.
Comment: This variant is classified as benign based on ACMG/AMP sequence variant interpretation guidelines (Richards et al. 2015 PMID: 25741868, with internal and published modifications).

NM_001126108.2(SLC12A3):c.2964G>A (p.Ser988=)

Genes: SLC12A3 (solute carrier family 12 member 3; plus strand), LOC126862361 (CDK7 strongly-dependent group 2 enhancer GRCh37_chr16:56946332-56947531; plus strand). Cytogenetic location: 16q13.
Variant type: single nucleotide variant.
Coding change: c.2964G>A on transcript NM_001126108.2 (MANE Select); coding-DNA position 2964, G replaced by A.
Protein change: p.Ser988=; no amino-acid change (serine 988 retained).
Molecular consequence: synonymous variant.
Genome position (GRCh38, 1-based): chr16:56,913,303, G>A. VCF-style: chr16-56913303-G-A. GRCh37 (hg19) VCF-style: chr16-56947215-G-A.
Other names: p.Ser997=; c.2991G>A, p.Ser997= (NM_000339.3); c.2988G>A, p.Ser996= (NM_001126107.2).
Identifiers: ClinVar variation 319921 (VCV000319921.24), dbSNP rs35082264, ClinGen allele CA8070177.
Genomic context (GRCh38, chr16:56,913,303, plus strand): 5'-CCACTTTTTCATGCCTTGCAGCACTTTGCCCATAGGGAGGAAGGGGAAGTGCCCCAGCTC[G>A]CTGTACATGGCCTGGCTGGAGACCCTGTCCCAGGACCTCAGACCTCCAGTCATCCTGATC-3'
Protein context (NP_001119580.2, residues 978-998): PIGRKGKCPS[Ser988=]LYMAWLETLS